The following is an entry in ClinVar:

ClinVar aggregate classification (germline): Uncertain significance (1 of 4 stars; one submission).

Conditions:
Hereditary cancer-predisposing syndrome. Also called: Neoplastic Syndromes, Hereditary; Hereditary Cancer Syndrome; Tumor predisposition; Hereditary neoplastic syndrome. Identifiers: Orphanet 140162, MedGen C0027672, MeSH D009386, MONDO:0015356.

Submission:

Labcorp Genetics (formerly Invitae), Labcorp
Classification: Uncertain significance for Hereditary cancer-predisposing syndrome. Last evaluated: 2023-08-16. Review status: criteria provided, single submitter. Criteria: Invitae Variant Classification Sherloc (09022015). Collection method: clinical testing. Allele origin: germline.
Comment: Advanced modeling of protein sequence and biophysical properties (such as structural, functional, and spatial information, amino acid conservation, physicochemical variation, residue mobility, and thermodynamic stability) performed at Invitae indicates that this missense variant is not expected to disrupt RAD50 protein function. This variant has not been reported in the literature in individuals affected with RAD50-related conditions. This variant is not present in population databases (gnomAD no frequency). This sequence change replaces aspartic acid, which is acidic and polar, with glutamic acid, which is acidic and polar, at codon 547 of the RAD50 protein (p.Asp547Glu). In summary, the available evidence is currently insufficient to determine the role of this variant in disease. Therefore, it has been classified as a Variant of Uncertain Significance.

NM_005732.4(RAD50):c.1641C>A (p.Asp547Glu)

Gene: RAD50 (RAD50 double strand break repair protein; plus strand). Cytogenetic location: 5q31.1.
Variant type: single nucleotide variant.
Coding change: c.1641C>A on transcript NM_005732.4 (MANE Select); coding-DNA position 1641, C replaced by A.
Protein change: p.Asp547Glu; replaces aspartic acid 547 with glutamic acid.
Molecular consequence: missense variant.
Genome position (GRCh38, 1-based): chr5:132,591,882, C>A. VCF-style: chr5-132591882-C-A. GRCh37 (hg19) VCF-style: chr5-131927574-C-A.
Other names: short protein forms D547E.
Identifiers: ClinVar variation 2752639 (VCV002752639.3), dbSNP rs2149842619, ClinGen allele CA360946286.